The following is an entry in ClinVar:

NM_001330700.2(TOP2B):c.396-5dup

Gene: TOP2B (DNA topoisomerase II beta; minus strand). Cytogenetic location: 3p24.2.
Variant type: Duplication.
Coding change: c.396-5dup on transcript NM_001330700.2 (MANE Select); 5 bases into the intron before coding-DNA position 396, one base duplicated (T; older notation c.396-5dupT).
Molecular consequence: intron variant.
Genome position (GRCh38, 1-based): chr3:25,638,315, A duplicated on the plus strand (T on the coding strand, the reverse complement: TOP2B is on the minus strand); the first of 38 consecutive A bases (chr3:25,638,315-25,638,352); duplicating any one gives the same sequence. VCF-style (leftmost placement, unchanged base first): chr3-25638314-T-TA. GRCh37 (hg19) VCF-style: chr3-25679805-T-TA.
Other names: c.381-5dup (NM_001068.3).
Identifiers: ClinVar variation 4961543 (VCV004961543.2).

ClinVar aggregate classification (germline): Benign/Likely benign. Review status: criteria provided, multiple submitters, no conflicts (2 of 4 stars). 2 submissions from 2 submitters: Benign (1); Likely benign (1). Last evaluated 2026-09-01.

Submissions (2):

CeGaT Center for Human Genetics Tuebingen
Classification: Benign. Last evaluated: 2026-09-01. Review status: criteria provided, single submitter. Criteria: CeGaT Center For Human Genetics Tuebingen Variant Classification Criteria Version 2. Collection method: clinical testing. Allele origin: germline. Affected: yes. Observed: 3 variant alleles.
Comment: TOP2B: BP4, BS1, BS2

Blueprint Genetics
Classification: Likely benign. Last evaluated: 2023-04-12. Review status: criteria provided, single submitter. Criteria: ACMG Guidelines, 2015. Collection method: clinical testing. Allele origin: germline.